The following is an entry in ClinVar:

ClinVar aggregate classification (germline): Benign. Review status: criteria provided, multiple submitters, no conflicts (2 of 4 stars). 4 submissions from 4 submitters: Benign (4). Last evaluated 2026-08-01.

Conditions:
Trichohepatoenteric syndrome 2 (THES2). Identifiers: Orphanet 84064, MedGen C3281289, MONDO:0013818, OMIM 614602.

Allele frequency attached by ClinVar (database versions not stated): ESP Exome Variant Server 0.00008; gnomAD 0.00045; TOPMed 0.00142; ExAC 0.00269; 1000 Genomes Project 0.00399; 1000 Genomes Project 30x 0.00422.
gnomAD v4.1: 1,132 of 1,558,260 alleles (0.073%); highest among the groups gnomAD compares: Admixed American, 1.5%; 14 homozygotes.

Submissions (4):

CeGaT Center for Human Genetics Tuebingen
Classification: Benign. Last evaluated: 2026-08-01. Review status: criteria provided, single submitter. Criteria: CeGaT Center For Human Genetics Tuebingen Variant Classification Criteria Version 2. Collection method: clinical testing. Allele origin: germline. Affected: yes. Observed: 3 variant alleles.
Comment: SKIC2: BP4, BP7, BS1, BS2

Labcorp Genetics (formerly Invitae), Labcorp
Classification: Benign. Last evaluated: 2026-02-01. Review status: criteria provided, single submitter. Criteria: Invitae Variant Classification Sherloc (09022015). Collection method: clinical testing. Allele origin: germline.

Mayo Clinic Laboratories, Mayo Clinic
Classification: Benign. Last evaluated: 2024-12-23. Review status: criteria provided, single submitter. Criteria: ACMG Guidelines, 2015. Collection method: clinical testing. Allele origin: germline. Observed: 5 variant alleles.
Comment: BS1, BS2, BP4, BP7

Illumina Laboratory Services, Illumina
Classification: Benign for Trichohepatoenteric syndrome 2. Last evaluated: 2018-01-12. Review status: criteria provided, single submitter. Criteria: ICSL Variant Classification Criteria 13 December 2019. Collection method: clinical testing. Allele origin: germline.
Comment: This variant was observed in the ICSL laboratory as part of a predisposition screen in an ostensibly healthy population. It had not been previously curated by ICSL or reported in the Human Gene Mutation Database (HGMD: prior to June 1st, 2018), and was therefore a candidate for classification through an automated scoring system. Utilizing variant allele frequency, disease prevalence and penetrance estimates, and inheritance mode, an automated score was calculated to assess if this variant is too frequent to cause the disease. Based on the score and internal cut-off values, a variant classified as benign is not then subjected to further curation. The score for this variant resulted in a classification of benign for this disease.

NM_006929.5(SKIC2):c.774A>G (p.Glu258=)

Gene: SKIC2 (SKI2 subunit of superkiller complex; plus strand). Cytogenetic location: 6p21.33.
Variant type: single nucleotide variant.
Coding change: c.774A>G on transcript NM_006929.5 (MANE Select); coding-DNA position 774, A replaced by G.
Protein change: p.Glu258=; no amino-acid change (glutamic acid 258 retained).
Molecular consequence: synonymous variant.
Genome position (GRCh38, 1-based): chr6:31,961,371, A>G. VCF-style: chr6-31961371-A-G. GRCh37 (hg19) VCF-style: chr6-31929148-A-G.
Other names: p.Glu258=.
Identifiers: ClinVar variation 356319 (VCV000356319.21), dbSNP rs143738551, ClinGen allele CA3729249.